The following is an entry in ClinVar:

NM_058195.4(CDKN2A):c.45C>A (p.Cys15Ter)

Gene: CDKN2A (cyclin dependent kinase inhibitor 2A; minus strand). Cytogenetic location: 9p21.3.
Variant type: single nucleotide variant.
Coding change: c.45C>A on transcript NM_058195.4 (MANE Plus Clinical); coding-DNA position 45, C replaced by A.
Protein change: p.Cys15Ter; replaces cysteine 15 with a stop codon.
Molecular consequence: nonsense. On other transcripts: intron variant (1).
Genome position (GRCh38, 1-based): chr9:21,994,287, G>T on the plus strand (C>A on the coding strand, the complement: CDKN2A is on the minus strand). VCF-style: chr9-21994287-G-T. GRCh37 (hg19) VCF-style: chr9-21994286-G-T.
Other names: c.-4+534C>A (NM_001363763.2); short protein forms C15*.
Identifiers: ClinVar variation 4868654 (VCV004868654.1).

ClinVar aggregate classification (germline): Uncertain significance (1 of 4 stars; one submission).

Conditions:
Hereditary cancer-predisposing syndrome. Also called: Tumor predisposition; Hereditary neoplastic syndrome; Hereditary Cancer Syndrome; Neoplastic Syndromes, Hereditary. Identifiers: Orphanet 140162, MedGen C0027672, MeSH D009386, MONDO:0015356.

Submission:

Ambry Genetics
Classification: Uncertain significance for Hereditary cancer-predisposing syndrome. Last evaluated: 2026-06-03. Review status: criteria provided, single submitter. Criteria: Ambry Variant Classification Scheme 2023. Collection method: clinical testing. Allele origin: germline.
Comment: The p.C15* variant (also known as c.45C>A), located in coding exon 1 of the CDKN2A (p14ARF) gene, results from a C to A substitution at nucleotide position 45. This changes the amino acid from a cysteine to a stop codon within coding exon 1. This variant is expected to result in protein truncation or nonsense-mediated mRNA decay. However, loss of function has not been established as a mechanism of disease for the p14 isoform of CDKN2A. Based on the available evidence, the clinical significance of this variant remains unclear.